The following is an entry in ClinVar:

NM_002519.3(NPAT):c.2677A>G (p.Asn893Asp)

Gene: NPAT (nuclear protein, coactivator of histone transcription; minus strand). Cytogenetic location: 11q22.3.
Variant type: single nucleotide variant.
Coding change: c.2677A>G on transcript NM_002519.3 (MANE Select); coding-DNA position 2677, A replaced by G.
Protein change: p.Asn893Asp; replaces asparagine 893 with aspartic acid.
Molecular consequence: missense variant.
Genome position (GRCh38, 1-based): chr11:108,172,307, T>C on the plus strand (A>G on the coding strand, the complement: NPAT is on the minus strand). VCF-style: chr11-108172307-T-C. GRCh37 (hg19) VCF-style: chr11-108043034-T-C.
Other names: c.2677A>G, p.Asn893Asp (NM_001321307.1); short protein forms N893D.
Identifiers: ClinVar variation 3407260 (VCV003407260.1).

ClinVar aggregate classification (germline): Uncertain significance (1 of 4 stars; one submission).

Submission:

Ambry Genetics
Classification: Uncertain significance. Last evaluated: 2024-10-30. Review status: criteria provided, single submitter. Criteria: Ambry Variant Classification Scheme 2023. Collection method: clinical testing. Allele origin: germline.
Comment: The p.N893D variant (also known as c.2677A>G), located in coding exon 13 of the NPAT gene, results from an A to G substitution at nucleotide position 2677. The asparagine at codon 893 is replaced by aspartic acid, an amino acid with highly similar properties. This amino acid position is conserved. In addition, this alteration is predicted to be tolerated by in silico analysis. Based on the available evidence, the clinical significance of this variant remains unclear.